The following is an entry in ClinVar:

NM_000080.4(CHRNE):c.1429del (p.Ala477fs)

Gene: CHRNE (cholinergic receptor nicotinic epsilon subunit; minus strand). Cytogenetic location: 17p13.2.
Variant type: Deletion.
Coding change: c.1429del on transcript NM_000080.4 (MANE Select); coding-DNA position 1429, one base deleted (G; older notation c.1429delG).
Protein change: p.Ala477fs; shifts the reading frame from alanine 477.
Molecular consequence: frameshift variant.
Genome position (GRCh38, 1-based): chr17:4,898,789, C deleted on the plus strand (G on the coding strand, the reverse complement: CHRNE is on the minus strand); the first of 4 consecutive C bases (chr17:4,898,789-4,898,792); deleting any one gives the same sequence. VCF-style (leftmost placement, unchanged base first): chr17-4898788-GC-G. GRCh37 (hg19) VCF-style: chr17-4802083-GC-G.
Other names: c.1429delG (NM_000080.3); short protein forms A477fs.
Identifiers: ClinVar variation 1322081 (VCV001322081.9), dbSNP rs1396286715, ClinGen allele CA624855778.

ClinVar aggregate classification (germline): Conflicting classifications of pathogenicity. Review status: criteria provided, conflicting classifications (1 of 4 stars). 5 submissions from 5 submitters: Pathogenic (2); Likely pathogenic (1); Uncertain significance (1). 1 of the submissions does not count toward it. Last evaluated 2024-05-20.

Conditions:
Congenital myasthenic syndrome 4B. Also called: Myasthenic syndrome, congenital, 4b, fast-channel. Identifiers: Orphanet 590, MedGen C4225369, MONDO:0014586, OMIM 616324.
Congenital myasthenic syndrome 4C (CMS4C). Also called: Myasthenic syndrome, congenital, associated with acetylcholine receptor deficiency. Identifiers: Orphanet 590, MedGen C1837091, MONDO:0012157, OMIM 608931.
Congenital myasthenic syndrome 4A. Also called: Myasthenic syndrome, congenital, 4a, slow-channel; MYASTHENIC SYNDROME, CONGENITAL, 4A, SLOW-CHANNEL, AUTOSOMAL RECESSIVE; CONGENITAL MYASTHENIC SYNDROME TYPE Ia1. Identifiers: Orphanet 590, MedGen C4225413, MONDO:0011600, OMIM 605809.
CHRNE-related disorder. Also called: CHRNE-related condition.

Submissions (5):

Labcorp Genetics (formerly Invitae), Labcorp
Classification: Uncertain significance for Congenital myasthenic syndrome 4A. Last evaluated: 2024-05-20. Review status: criteria provided, single submitter. Criteria: Invitae Variant Classification Sherloc (09022015). Collection method: clinical testing. Allele origin: germline.
Comment: This sequence change results in a frameshift in the CHRNE gene (p.Ala477Profs*30). While this is not anticipated to result in nonsense mediated decay, it is expected to disrupt the last 17 amino acid(s) of the CHRNE protein and extend the protein by 12 additional amino acid residues. This variant is present in population databases (no rsID available, gnomAD 0.003%). This frameshift has been observed in individual(s) with CHRNE-related conditions (PMID: 30369941). ClinVar contains an entry for this variant (Variation ID: 1322081). Experimental studies and prediction algorithms are not available or were not evaluated, and the functional significance of this variant is currently unknown. In summary, the available evidence is currently insufficient to determine the role of this variant in disease. Therefore, it has been classified as a Variant of Uncertain Significance.

Baylor Genetics
Classification: Pathogenic for Congenital myasthenic syndrome 4A. Last evaluated: 2023-06-16. Review status: criteria provided, single submitter. Criteria: ACMG Guidelines, 2015. Collection method: clinical testing. Allele origin: unknown.

Fulgent Genetics
Classification: Likely pathogenic for Congenital myasthenic syndrome 4A; Congenital myasthenic syndrome 4C; Congenital myasthenic syndrome 4B. Last evaluated: 2022-02-01. Review status: criteria provided, single submitter. Criteria: ACMG Guidelines, 2015. Collection method: clinical testing. Allele origin: unknown.

Revvity Omics, Revvity
Classification: Pathogenic. Last evaluated: 2019-07-21. Review status: criteria provided, single submitter. Criteria: ACMG Guidelines, 2015. Collection method: clinical testing. Allele origin: germline.

PreventionGenetics, part of Exact Sciences
Classification: Likely pathogenic for CHRNE-related condition. Last evaluated: 2024-08-26. Review status: no assertion criteria provided. Collection method: clinical testing. Allele origin: germline. Not counted in ClinVar's aggregate classification.
Comment: The CHRNE c.1429delG variant is predicted to result in a frameshift and premature protein termination (p.Ala477Profs*30). This variant has been reported in the compound heterozygous state in an affected individual with phenotypes consistent with CHRNE-related myasthenic syndrome (Theunissen et al. 2018. PubMed ID: 30369941). This variant is reported in 0.0028% of alleles in individuals of European (Non-Finnish) descent in gnomAD. Frameshift variants in CHRNE are expected to be pathogenic. This variant is interpreted as likely pathogenic.

Literature cited by the submitters: PubMed 30369941 (cited by Labcorp Genetics (formerly Invitae), Labcorp).